The following is an entry in ClinVar:

NM_001370466.1(NOD2):c.1427A>C (p.Glu476Ala)

Gene: NOD2 (nucleotide binding oligomerization domain containing 2; plus strand). Cytogenetic location: 16q12.1.
Variant type: single nucleotide variant.
Coding change: c.1427A>C on transcript NM_001370466.1 (MANE Select); coding-DNA position 1427, A replaced by C.
Protein change: p.Glu476Ala; replaces glutamic acid 476 with alanine.
Molecular consequence: missense variant. On other transcripts: non-coding transcript variant (1).
Genome position (GRCh38, 1-based): chr16:50,711,419, A>C. VCF-style: chr16-50711419-A-C. GRCh37 (hg19) VCF-style: chr16-50745330-A-C.
Other names: c.1427A>C, p.Glu476Ala (NM_001293557.2); c.1508A>C, p.Glu503Ala (NM_022162.3); short protein forms E476A, E503A.
Identifiers: ClinVar variation 5001693 (VCV005001693.1).

ClinVar aggregate classification (germline): Uncertain significance (1 of 4 stars; one submission).

Conditions:
NOD2-related disorder. Also called: NOD2-related condition.

gnomAD v4.1: 3 of 1,613,466 alleles (0.00019%); highest among the groups gnomAD compares: South Asian, 0.0033%; no homozygotes.

Submission:

PreventionGenetics, part of Exact Sciences
Classification: Uncertain significance for NOD2-related condition. Last evaluated: 2025-07-02. Review status: criteria provided, single submitter. Criteria: ACMG Guidelines, 2015. Collection method: clinical testing. Allele origin: germline.
Comment: The NOD2 c.1508A>C variant is predicted to result in the amino acid substitution p.Glu503Ala. To our knowledge, this variant has not been reported in the literature. This variant is reported in 0.0033% of alleles in individuals of South Asian descent in gnomAD. At this time, the clinical significance of this variant is uncertain due to the absence of conclusive functional and genetic evidence.